The following is an entry in ClinVar:

NM_001112741.2(KCNC1):c.1673C>G (p.Pro558Arg)

Gene: KCNC1 (potassium voltage-gated channel subfamily C member 1; plus strand). Cytogenetic location: 11p15.1.
Variant type: single nucleotide variant.
Coding change: c.1673C>G on transcript NM_001112741.2 (MANE Select); coding-DNA position 1673, C replaced by G.
Protein change: p.Pro558Arg; replaces proline 558 with arginine.
Molecular consequence: missense variant.
Genome position (GRCh38, 1-based): chr11:17,779,624, C>G. VCF-style: chr11-17779624-C-G. GRCh37 (hg19) VCF-style: chr11-17801171-C-G.
Other names: p.Pro558Arg; short protein forms P558R.
Identifiers: ClinVar variation 567831 (VCV000567831.11), dbSNP rs749270474, ClinGen allele CA5906859.
Genomic context (GRCh38, chr11:17,779,624, plus strand): 5'-GCACCCGCGAGAGATACGGACCCTGCTTCCTCTTATCAACCGGGGAGTACGCGTGCCCAC[C>G]TGGTGGAGGAATGAGAAAGGGTATGTAGAGGAAGCTGGAGCACCGTGCATCGTCCGGGCC-3'
Protein context (NP_001106212.1, residues 548-568): LLSTGEYACP[Pro558Arg]GGGMRKDLCK

ClinVar aggregate classification (germline): Uncertain significance. Review status: criteria provided, multiple submitters, no conflicts (2 of 4 stars). 3 submissions from 3 submitters: Uncertain significance (3). Last evaluated 2025-05-05.

Conditions:
Progressive myoclonic epilepsy type 7. Identifiers: Orphanet 435438, MedGen C4015420, MONDO:0014521, OMIM 616187.
Inborn genetic diseases. Identifiers: MedGen C0950123, MeSH D030342.

Allele frequency attached by ClinVar (database versions not stated): gnomAD exomes below 0.00001 and 0.00001; gnomAD 0.00004 and 0.00005; TOPMed 0.00005; ExAC 0.00006.
gnomAD v4.1: 13 of 1,548,256 alleles (0.00084%); highest among the groups gnomAD compares: African/African-American, 0.0096%; no homozygotes.

Submissions (3):

Labcorp Genetics (formerly Invitae), Labcorp
Classification: Uncertain significance for Progressive myoclonic epilepsy type 7. Last evaluated: 2025-05-05. Review status: criteria provided, single submitter. Criteria: Invitae Variant Classification Sherloc (09022015). Collection method: clinical testing. Allele origin: germline.
Comment: This sequence change replaces proline, which is neutral and non-polar, with arginine, which is basic and polar, at codon 558 of the KCNC1 protein (p.Pro558Arg). This variant is present in population databases (rs749270474, gnomAD 0.01%). This variant has not been reported in the literature in individuals affected with KCNC1-related conditions. ClinVar contains an entry for this variant (Variation ID: 567831). Invitae Evidence Modeling of protein sequence and biophysical properties (such as structural, functional, and spatial information, amino acid conservation, physicochemical variation, residue mobility, and thermodynamic stability) indicates that this missense variant is expected to disrupt KCNC1 protein function with a positive predictive value of 95%. In summary, the available evidence is currently insufficient to determine the role of this variant in disease. Therefore, it has been classified as a Variant of Uncertain Significance.

Mayo Clinic Laboratories, Mayo Clinic
Classification: Uncertain significance. Last evaluated: 2023-04-21. Review status: criteria provided, single submitter. Criteria: ACMG Guidelines, 2015. Collection method: clinical testing. Allele origin: germline. Observed: 1 variant allele.
Comment: PP2

Ambry Genetics
Classification: Uncertain significance for Inborn genetic diseases. Last evaluated: 2021-06-30. Review status: criteria provided, single submitter. Criteria: Ambry Variant Classification Scheme 2023. Collection method: clinical testing. Allele origin: germline.